The following is an entry in ClinVar:

ClinVar aggregate classification (germline): Pathogenic (1 of 4 stars; one submission).

Conditions:
Nephronophthisis. Also called: Juvenile Nephronophthisis. Identifiers: Orphanet 655, MedGen C0687120, MONDO:0019005, HP:0000090.

Submission:

Labcorp Genetics (formerly Invitae), Labcorp
Classification: Pathogenic for Nephronophthisis. Last evaluated: 2023-12-21. Review status: criteria provided, single submitter. Criteria: Invitae Variant Classification Sherloc (09022015). Collection method: clinical testing. Allele origin: germline.
Comment: This sequence change creates a premature translational stop signal (p.Ala1029Cysfs*74) in the NPHP4 gene. It is expected to result in an absent or disrupted protein product. Loss-of-function variants in NPHP4 are known to be pathogenic (PMID: 12205563, 23559409). This variant is present in population databases (no rsID available, gnomAD 0.003%). This variant has not been reported in the literature in individuals affected with NPHP4-related conditions. For these reasons, this variant has been classified as Pathogenic.

Literature cited by the submitters: PubMed 12205563; PubMed 23559409.

NM_015102.5(NPHP4):c.3083dup (p.Ala1029fs)

Gene: NPHP4 (nephrocystin 4; minus strand). Cytogenetic location: 1p36.31.
Variant type: Duplication.
Coding change: c.3083dup on transcript NM_015102.5 (MANE Select); coding-DNA position 3083, one base duplicated (G; older notation c.3083dupG).
Protein change: p.Ala1029fs; shifts the reading frame from alanine 1029.
Molecular consequence: frameshift variant. On other transcripts: non-coding transcript variant (1).
Genome position (GRCh38, 1-based): chr1:5,874,619, C duplicated on the plus strand (G on the coding strand, the reverse complement: NPHP4 is on the minus strand); the first of 3 consecutive C bases (chr1:5,874,619-5,874,621); duplicating any one gives the same sequence. VCF-style (leftmost placement, unchanged base first): chr1-5874618-A-AC. GRCh37 (hg19) VCF-style: chr1-5934678-A-AC.
Other names: c.1544dup, p.Ala516fs (NM_001291593.2); c.1547dup, p.Ala517fs (NM_001291594.2); short protein forms A1029fs, A517fs, A516fs.
Identifiers: ClinVar variation 2886134 (VCV002886134.3), dbSNP rs1557616007, ClinGen allele CA521017142.
Genomic context (GRCh38, chr1:5,874,618, plus strand): 5'-GGCCAGGCTGCCACGCAGGTGGAACATGTCCTCCTCCACCGGTGTGTGCAGGCCAGCAGC[A>AC]CCCTTGAAGTCCCTCCACTCCTGACTGTCCACGATGACGCTGGGGGAGGCAGTGTCCAGG-3'